The following is an entry in ClinVar:

ClinVar aggregate classification (germline): Likely pathogenic (0 of 4 stars; one submission).

Conditions:
Autosomal recessive congenital ichthyosis 10 (ARCI10). Identifiers: Orphanet 79394, MedGen C3554355, MONDO:0014011, OMIM 615024.

Submission:

Unité de Différenciation Epithéliale et Auto-Immunité Rhumatoïde, INSERM - Université Paul Sabatier
Classification: Likely pathogenic for Autosomal recessive congenital ichthyosis 10. Review status: no assertion criteria provided. Collection method: research, provider interpretation. Allele origin: germline. Inheritance: Autosomal recessive inheritance. Affected: yes and no. Observed: 3 variant alleles, 1 heterozygote, 2 compound heterozygotes.
Comment: This variant has been seen as a compound heterozygote in association with the variant c.[418T>C], [p.Ser140Pro].

Literature cited by the submitters: PubMed 28369476.

NM_001374623.1(PNPLA1):c.820del (p.Arg274fs)

Gene: PNPLA1 (patatin like domain 1, omega-hydroxyceramide transacylase; plus strand). Cytogenetic location: 6p21.31.
Variant type: Deletion.
Coding change: c.820del on transcript NM_001374623.1 (MANE Select); coding-DNA position 820, one base deleted (C; older notation c.820delC).
Protein change: p.Arg274fs; shifts the reading frame from arginine 274.
Molecular consequence: frameshift variant.
Genome position (GRCh38, 1-based): chr6:36,301,905, C deleted; the last of 5 consecutive C bases (chr6:36,301,901-36,301,905); deleting any one gives the same sequence. VCF-style (leftmost placement, unchanged base first): chr6-36301900-TC-T. GRCh37 (hg19) VCF-style: chr6-36269677-TC-T.
Other names: c.562del, p.Arg188fs (NM_001145716.2); c.820del, p.Arg274fs (NM_001145717.1); c.535del, p.Arg179fs (NM_173676.2); c.820_820delC (NM_001145717.1); short protein forms R274fs, R179fs, R188fs.
Identifiers: ClinVar variation 375255 (VCV000375255.2), dbSNP rs1170446813, ClinGen allele CA645372821.